The following is an entry in ClinVar:

NM_006031.6(PCNT):c.8653C>T (p.Gln2885Ter)

Gene: PCNT (pericentrin; plus strand). Cytogenetic location: 21q22.3.
Variant type: single nucleotide variant.
Coding change: c.8653C>T on transcript NM_006031.6 (MANE Select); coding-DNA position 8653, C replaced by T.
Protein change: p.Gln2885Ter; replaces glutamine 2885 with a stop codon.
Molecular consequence: nonsense. On other transcripts: intron variant (1).
Genome position (GRCh38, 1-based): chr21:46,432,117, C>T. VCF-style: chr21-46432117-C-T. GRCh37 (hg19) VCF-style: chr21-47852031-C-T.
Other names: c.8160+139C>T (NM_001315529.2); short protein forms Q2885*.
Identifiers: ClinVar variation 2830941 (VCV002830941.3), dbSNP rs2519013136, ClinGen allele CA410573991.

ClinVar aggregate classification (germline): Pathogenic (1 of 4 stars; one submission).

Allele frequency attached by ClinVar (database versions not stated): gnomAD exomes below 0.00001.
gnomAD v4.1: 2 of 1,614,096 alleles (0.00012%); highest among the groups gnomAD compares: Middle Eastern, 0.033%; no homozygotes.

Submission:

Labcorp Genetics (formerly Invitae), Labcorp
Classification: Pathogenic. Last evaluated: 2023-03-09. Review status: criteria provided, single submitter. Criteria: Invitae Variant Classification Sherloc (09022015). Collection method: clinical testing. Allele origin: germline.
Comment: This sequence change creates a premature translational stop signal (p.Gln2885*) in the PCNT gene. It is expected to result in an absent or disrupted protein product. Loss-of-function variants in PCNT are known to be pathogenic (PMID: 18174396, 22821869). This variant is not present in population databases (gnomAD no frequency). This variant has not been reported in the literature in individuals affected with PCNT-related conditions. For these reasons, this variant has been classified as Pathogenic.

Literature cited by the submitters: PubMed 18174396; PubMed 22821869.